The following is an entry in ClinVar:

ClinVar aggregate classification (germline): Uncertain significance (1 of 4 stars; one submission).

Conditions:
Hereditary cancer-predisposing syndrome. Also called: Neoplastic Syndromes, Hereditary; Tumor predisposition; Hereditary Cancer Syndrome; Hereditary neoplastic syndrome. Identifiers: Orphanet 140162, MedGen C0027672, MeSH D009386, MONDO:0015356.

Submission:

Ambry Genetics
Classification: Uncertain significance for Hereditary cancer-predisposing syndrome. Last evaluated: 2019-11-20. Review status: criteria provided, single submitter. Criteria: Ambry Variant Classification Scheme 2023. Collection method: clinical testing. Allele origin: germline.
Comment: The c.180_183delAGTC variant, located in coding exon 1 of the POLD1 gene, results from a deletion of 4 nucleotides at nucleotide positions 180 to 183, causing a translational frameshift with a predicted alternate stop codon (p.V61Wfs*14). This alteration is expected to result in loss of function by premature protein truncation or nonsense-mediated mRNA decay. However, loss of function of POLD1 has not been clearly established as a mechanism of disease. Since supporting evidence is limited at this time, the clinical significance of this alteration remains unclear.

NM_002691.4(POLD1):c.180_183del (p.Val61fs)

Gene: POLD1 (DNA polymerase delta 1, catalytic subunit; plus strand). Cytogenetic location: 19q13.33.
Variant type: Microsatellite.
Coding change: c.180_183del on transcript NM_002691.4 (MANE Select); coding-DNA positions 180 to 183, 4 bases deleted (AGTC; older notation c.180_183delAGTC).
Protein change: p.Val61fs; shifts the reading frame from valine 61.
Molecular consequence: frameshift variant. On other transcripts: non-coding transcript variant (1).
Genome position (GRCh38, 1-based): chr19:50,399,031-50,399,034, AGTC deleted; deleting any 4 consecutive bases within chr19:50,399,026-50,399,034 gives the same sequence; the c. name uses the placement nearest the transcript's 3' end. VCF-style (leftmost placement, unchanged base first): chr19-50399025-GCAGT-G. GRCh37 (hg19) VCF-style: chr19-50902282-GCAGT-G.
Other names: c.180_183del, p.Val61fs (NM_001256849.1, NM_001308632.1); short protein forms V61fs.
Identifiers: ClinVar variation 1780383 (VCV001780383.2), dbSNP rs2038481507, ClinGen allele CA2340880716.